The following is an entry in ClinVar:

NM_021620.4(PRDM13):c.169G>A (p.Val57Met)

Gene: PRDM13 (PR/SET domain 13; plus strand). Cytogenetic location: 6q16.2.
Variant type: single nucleotide variant.
Coding change: c.169G>A on transcript NM_021620.4 (MANE Select); coding-DNA position 169, G replaced by A.
Protein change: p.Val57Met; replaces valine 57 with methionine.
Molecular consequence: missense variant.
Genome position (GRCh38, 1-based): chr6:99,608,765, G>A. VCF-style: chr6-99608765-G-A. GRCh37 (hg19) VCF-style: chr6-100056641-G-A.
Other names: c.169G>A (NM_021620.3); short protein forms V57M.
Identifiers: ClinVar variation 1358063 (VCV001358063.7), dbSNP rs777452565, ClinGen allele CA3936129.

ClinVar aggregate classification (germline): Uncertain significance. Review status: criteria provided, multiple submitters, no conflicts (2 of 4 stars). 2 submissions from 2 submitters: Uncertain significance (2). Last evaluated 2025-07-01.

Conditions:
Inborn genetic diseases. Identifiers: MedGen C0950123, MeSH D030342.

Allele frequency attached by ClinVar (database versions not stated): gnomAD 0.00001; TOPMed 0.00001.
gnomAD v4.1: 32 of 1,611,820 alleles (0.002%); highest among the groups gnomAD compares: Middle Eastern, 0.017%; no homozygotes.

Submissions (2):

Ambry Genetics
Classification: Uncertain significance for Inborn genetic diseases. Last evaluated: 2025-07-01. Review status: criteria provided, single submitter. Criteria: Ambry Variant Classification Scheme 2023. Collection method: clinical testing. Allele origin: germline.

Labcorp Genetics (formerly Invitae), Labcorp
Classification: Uncertain significance. Last evaluated: 2021-10-15. Review status: criteria provided, single submitter. Criteria: Invitae Variant Classification Sherloc (09022015). Collection method: clinical testing. Allele origin: germline.
Comment: This sequence change replaces valine with methionine at codon 57 of the PRDM13 protein (p.Val57Met). The valine residue is moderately conserved and there is a small physicochemical difference between valine and methionine. This variant is present in population databases (rs777452565, ExAC 0.003%). This variant has not been reported in the literature in individuals affected with PRDM13-related conditions. Algorithms developed to predict the effect of missense changes on protein structure and function are either unavailable or do not agree on the potential impact of this missense change (SIFT: "Deleterious"; PolyPhen-2: "Probably Damaging"; Align-GVGD: "Class C0"). In summary, the available evidence is currently insufficient to determine the role of this variant in disease. Therefore, it has been classified as a Variant of Uncertain Significance.